The following is an entry in ClinVar:

ClinVar aggregate classification (germline): Likely benign (0 of 4 stars; one submission).

Conditions:
SMG9-related disorder. Also called: SMG9-related condition.

Allele frequency attached by ClinVar (database versions not stated): gnomAD exomes 0.00002; TOPMed 0.00002; gnomAD 0.00003.
gnomAD v4.1: 26 of 1,548,640 alleles (0.0017%); highest among the groups gnomAD compares: Non-Finnish European, 0.0022%; no homozygotes.

Submission:

PreventionGenetics, part of Exact Sciences
Classification: Likely benign for SMG9-related condition. Last evaluated: 2020-01-31. Review status: no assertion criteria provided. Collection method: clinical testing. Allele origin: germline.
Comment: This variant is classified as likely benign based on ACMG/AMP sequence variant interpretation guidelines (Richards et al. 2015 PMID: 25741868, with internal and published modifications).

NM_019108.4(SMG9):c.1102+9C>A

Gene: SMG9 (SMG9 nonsense mediated mRNA decay factor; minus strand). Cytogenetic location: 19q13.31.
Variant type: single nucleotide variant.
Coding change: c.1102+9C>A on transcript NM_019108.4 (MANE Select); 9 bases into the intron after coding-DNA position 1102, C replaced by A.
Molecular consequence: intron variant.
Genome position (GRCh38, 1-based): chr19:43,734,380, G>T on the plus strand (C>A on the coding strand, the complement: SMG9 is on the minus strand). VCF-style: chr19-43734380-G-T. GRCh37 (hg19) VCF-style: chr19-44238532-G-T.
Identifiers: ClinVar variation 3051308 (VCV003051308.2), dbSNP rs902928896, ClinGen allele CA308809771.
Genomic context (GRCh38, chr19:43,734,380, plus strand): 5'-CGTGCTCCTGACTTTCAGCCCCTCATTTTTCCTCCTGCCCACCCCTCCAGTCCCCAGAAA[G>T]CCTCTCACCTAGGTGGGGGTAGTACTCGGTGCCTTCATCGGAGCCCGATGAGCTGCTGGA-3'